The following is an entry in ClinVar:

ClinVar aggregate classification (germline): Uncertain significance (1 of 4 stars; one submission).

Conditions:
Werner syndrome (WRN). Identifiers: Orphanet 902, MedGen C0043119, MONDO:0010196, OMIM 277700.

Submission:

Labcorp Genetics (formerly Invitae), Labcorp
Classification: Uncertain significance for Werner syndrome. Last evaluated: 2018-03-11. Review status: criteria provided, single submitter. Criteria: Invitae Variant Classification Sherloc (09022015). Collection method: clinical testing. Allele origin: germline.
Comment: This sequence change replaces valine with phenylalanine at codon 97 of the WRN protein (p.Val97Phe). The valine residue is moderately conserved and there is a small physicochemical difference between valine and phenylalanine. In summary, the available evidence is currently insufficient to determine the role of this variant in disease. Therefore, it has been classified as a Variant of Uncertain Significance. Algorithms developed to predict the effect of missense changes on protein structure and function do not agree on the potential impact of this missense change (SIFT: "Deleterious"; PolyPhen-2: "Probably Damaging"; Align-GVGD: "Class C0"). This variant has not been reported in the literature in individuals with WRN-related disease. This variant is not present in population databases (ExAC no frequency).

NM_000553.6(WRN):c.289G>T (p.Val97Phe)

Gene: WRN (WRN RecQ like helicase; plus strand). Cytogenetic location: 8p12.
Variant type: single nucleotide variant.
Coding change: c.289G>T on transcript NM_000553.6 (MANE Select); coding-DNA position 289, G replaced by T.
Protein change: p.Val97Phe; replaces valine 97 with phenylalanine.
Molecular consequence: missense variant.
Genome position (GRCh38, 1-based): chr8:31,064,368, G>T. VCF-style: chr8-31064368-G-T. GRCh37 (hg19) VCF-style: chr8-30921884-G-T.
Other names: short protein forms V97F.
Identifiers: ClinVar variation 571439 (VCV000571439.4), dbSNP rs757573403, ClinGen allele CA370914231.